The following is an entry in ClinVar:

ClinVar aggregate classification (germline): Uncertain significance (1 of 4 stars; one submission).

Submission:

Ambry Genetics
Classification: Uncertain significance. Last evaluated: 2025-03-09. Review status: criteria provided, single submitter. Criteria: Ambry Variant Classification Scheme 2023. Collection method: clinical testing. Allele origin: germline.
Comment: The p.L2204P variant (also known as c.6611T>C), located in coding exon 28 of the WNK2 gene, results from a T to C substitution at nucleotide position 6611. The leucine at codon 2204 is replaced by proline, an amino acid with similar properties. This amino acid position is conserved. In addition, the in silico prediction for this alteration is inconclusive. Based on the available evidence, the clinical significance of this variant remains unclear.

NM_006648.4(WNK2):c.6611T>C (p.Leu2204Pro)

Gene: WNK2 (WNK lysine deficient protein kinase 2; plus strand). Cytogenetic location: 9q22.31.
Variant type: single nucleotide variant.
Coding change: c.6611T>C on transcript NM_006648.4 (MANE Select); coding-DNA position 6611, T replaced by C.
Protein change: p.Leu2204Pro; replaces leucine 2204 with proline.
Molecular consequence: missense variant.
Genome position (GRCh38, 1-based): chr9:93,317,614, T>C. VCF-style: chr9-93317614-T-C. GRCh37 (hg19) VCF-style: chr9-96079896-T-C.
Other names: c.6722T>C, p.Leu2241Pro (NM_001282394.3); short protein forms L2241P, L2204P.
Identifiers: ClinVar variation 3817249 (VCV003817249.1).
Genomic context (GRCh38, chr9:93,317,614, plus strand): 5'-GTCTGCCCCCAGCGCCCGGCCCTCTGTCCACCACGGTCATTCCCGGAGCCGCCCCGACCC[T>C]GTCCGTGCCCACACCAGGTACTGCCCTCTCCAACCTCCCAACCCCACCCTGTGCGCTGCC-3'
Protein context (NP_006639.3, residues 2194-2214): TTVIPGAAPT[Leu2204Pro]SVPTPDPESE